The following is an entry in ClinVar:

ClinVar aggregate classification (germline): Uncertain significance. Review status: criteria provided, multiple submitters, no conflicts (2 of 4 stars). 2 submissions from 2 submitters: Uncertain significance (2). Last evaluated 2024-03-27.

Conditions:
Hereditary cancer-predisposing syndrome. Also called: Tumor predisposition; Neoplastic Syndromes, Hereditary; Hereditary Cancer Syndrome; Hereditary neoplastic syndrome. Identifiers: Orphanet 140162, MedGen C0027672, MeSH D009386, MONDO:0015356.
Ataxia-telangiectasia syndrome (AT). Also called: ATAXIA-TELANGIECTASIA, COMPLEMENTATION GROUP A; ATAXIA-TELANGIECTASIA, FRESNO VARIANT; Ataxia-telangiectasia; Ataxia-telangiectasia, complementation group D; AT, COMPLEMENTATION GROUP C; Ataxia-telangiectasia, complementation group E. Identifiers: Orphanet 100, MedGen C0004135, MONDO:0008840, OMIM 208900.

Submissions (2):

Labcorp Genetics (formerly Invitae), Labcorp
Classification: Uncertain significance for Ataxia-telangiectasia syndrome. Last evaluated: 2024-03-27. Review status: criteria provided, single submitter. Criteria: Invitae Variant Classification Sherloc (09022015). Collection method: clinical testing. Allele origin: germline.
Comment: This sequence change replaces histidine, which is basic and polar, with leucine, which is neutral and non-polar, at codon 2872 of the ATM protein (p.His2872Leu). This variant is not present in population databases (gnomAD no frequency). This variant has not been reported in the literature in individuals affected with ATM-related conditions. ClinVar contains an entry for this variant (Variation ID: 822604). An algorithm developed to predict the effect of missense changes on protein structure and function (PolyPhen-2) suggests that this variant is likely to be disruptive. In summary, the available evidence is currently insufficient to determine the role of this variant in disease. Therefore, it has been classified as a Variant of Uncertain Significance.

Ambry Genetics
Classification: Uncertain significance for Hereditary cancer-predisposing syndrome. Last evaluated: 2024-01-14. Review status: criteria provided, single submitter. Criteria: Ambry Variant Classification Scheme 2023. Collection method: clinical testing. Allele origin: germline.
Comment: The p.H2872L variant (also known as c.8615A>T), located in coding exon 58 of the ATM gene, results from an A to T substitution at nucleotide position 8615. The histidine at codon 2872 is replaced by leucine, an amino acid with similar properties. This amino acid position is highly conserved in available vertebrate species. In addition, this alteration is predicted to be deleterious by in silico analysis. Since supporting evidence is limited at this time, the clinical significance of this alteration remains unclear.

NM_000051.4(ATM):c.8615A>T (p.His2872Leu)

Genes: ATM (ATM serine/threonine kinase; plus strand), C11orf65 (chromosome 11 open reading frame 65; minus strand). Cytogenetic location: 11q22.3.
Variant type: single nucleotide variant.
Coding change: c.8615A>T on transcript NM_000051.4 (MANE Select); coding-DNA position 8615, A replaced by T.
Protein change: p.His2872Leu; replaces histidine 2872 with leucine.
Molecular consequence: missense variant. On other transcripts: intron variant (2).
Genome position (GRCh38, 1-based): chr11:108,347,309, A>T. VCF-style: chr11-108347309-A-T. GRCh37 (hg19) VCF-style: chr11-108218036-A-T.
Other names: c.8615A>T, p.His2872Leu (NM_001351834.2); c.641-38238T>A (NM_001330368.2); c.695-12017T>A (NM_001351110.2); short protein forms H2872L.
Identifiers: ClinVar variation 822604 (VCV000822604.12), dbSNP rs1591273938, ClinGen allele CA382520674.